The following is an entry in ClinVar:

NM_022124.6(CDH23):c.806G>T (p.Arg269Leu)

Gene: CDH23 (cadherin related 23; plus strand). Cytogenetic location: 10q22.1.
Variant type: single nucleotide variant.
Coding change: c.806G>T on transcript NM_022124.6 (MANE Select); coding-DNA position 806, G replaced by T.
Protein change: p.Arg269Leu; replaces arginine 269 with leucine.
Molecular consequence: missense variant.
Genome position (GRCh38, 1-based): chr10:71,577,966, G>T. VCF-style: chr10-71577966-G-T. GRCh37 (hg19) VCF-style: chr10-73337723-G-T.
Other names: c.806G>T, p.Arg269Leu (NM_001171930.2, NM_001171931.2, NM_001171932.2 and 1 more transcripts); short protein forms R269L.
Identifiers: ClinVar variation 1422017 (VCV001422017.5), dbSNP rs1235821368, ClinGen allele CA377116050.

ClinVar aggregate classification (germline): Uncertain significance (1 of 4 stars; one submission).

gnomAD v4.1: 1 of 1,603,938 alleles (0.000062%); highest among the groups gnomAD compares: Non-Finnish European, 0.000085%; no homozygotes.

Submission:

Labcorp Genetics (formerly Invitae), Labcorp
Classification: Uncertain significance. Last evaluated: 2021-08-31. Review status: criteria provided, single submitter. Criteria: Invitae Variant Classification Sherloc (09022015). Collection method: clinical testing. Allele origin: germline.
Comment: This sequence change replaces arginine with leucine at codon 269 of the CDH23 protein (p.Arg269Leu). The arginine residue is highly conserved and there is a moderate physicochemical difference between arginine and leucine. This variant is not present in population databases (ExAC no frequency). This variant has not been reported in the literature in individuals affected with CDH23-related conditions. Algorithms developed to predict the effect of missense changes on protein structure and function are either unavailable or do not agree on the potential impact of this missense change (SIFT: "Deleterious"; PolyPhen-2: "Not Available"; Align-GVGD: "Class C0"). In summary, the available evidence is currently insufficient to determine the role of this variant in disease. Therefore, it has been classified as a Variant of Uncertain Significance.